The following is an entry in ClinVar:

ClinVar aggregate classification (germline): Uncertain significance (1 of 4 stars; one submission).

gnomAD v4.1: 2 of 1,613,950 alleles (0.00012%); highest among the groups gnomAD compares: South Asian, 0.0011%; no homozygotes.

Submission:

Labcorp Genetics (formerly Invitae), Labcorp
Classification: Uncertain significance. Last evaluated: 2022-07-12. Review status: criteria provided, single submitter. Criteria: Invitae Variant Classification Sherloc (09022015). Collection method: clinical testing. Allele origin: germline.
Comment: Algorithms developed to predict the effect of missense changes on protein structure and function (SIFT, PolyPhen-2, Align-GVGD) all suggest that this variant is likely to be tolerated. In summary, the available evidence is currently insufficient to determine the role of this variant in disease. Therefore, it has been classified as a Variant of Uncertain Significance. This variant has not been reported in the literature in individuals affected with ANKZF1-related conditions. This variant is present in population databases (no rsID available, gnomAD 0.003%). This sequence change replaces glutamic acid, which is acidic and polar, with alanine, which is neutral and non-polar, at codon 583 of the ANKZF1 protein (p.Glu583Ala).

NM_018089.3(ANKZF1):c.1748A>C (p.Glu583Ala)

Gene: ANKZF1 (ankyrin repeat and zinc finger peptidyl tRNA hydrolase 1; plus strand). Cytogenetic location: 2q35.
Variant type: single nucleotide variant.
Coding change: c.1748A>C on transcript NM_018089.3 (MANE Select); coding-DNA position 1748, A replaced by C.
Protein change: p.Glu583Ala; replaces glutamic acid 583 with alanine.
Molecular consequence: missense variant.
Genome position (GRCh38, 1-based): chr2:219,235,530, A>C. VCF-style: chr2-219235530-A-C. GRCh37 (hg19) VCF-style: chr2-220100252-A-C.
Other names: c.1748A>C, p.Glu583Ala (NM_001042410.2); c.1118A>C, p.Glu373Ala (NM_001282792.2); short protein forms E583A, E373A.
Identifiers: ClinVar variation 2132165 (VCV002132165.4), dbSNP rs1559258663, ClinGen allele CA350684218.
Genomic context (GRCh38, chr2:219,235,530, plus strand): 5'-CTAGGGACTCTCGGGCCCGGCCACCTTATACTGTTGCGGCTGACAAATCAACACGTAATG[A>C]GTTCCGAAGGTTCATGGAGAAGAATCCAGATGCCTACGATTACAACAAGGCTCAGGTCAT-3'
Protein context (NP_060559.2, residues 573-593): TVAADKSTRN[Glu583Ala]FRRFMEKNPD